The following is an entry in ClinVar:

ClinVar aggregate classification (germline): Likely benign. Review status: criteria provided, multiple submitters, no conflicts (2 of 4 stars). 2 submissions from 2 submitters: Likely benign (2). Last evaluated 2024-11-05.

Allele frequency attached by ClinVar (database versions not stated): gnomAD exomes 0.00050; gnomAD 0.00059; ExAC 0.00103; 1000 Genomes Project 30x 0.00328; 1000 Genomes Project 0.00359.
gnomAD v4.1: 893 of 1,611,486 alleles (0.055%); highest among the groups gnomAD compares: East Asian, 1.7%; 13 homozygotes.

Submissions (2):

Blueprint Genetics
Classification: Likely benign. Last evaluated: 2024-11-05. Review status: criteria provided, single submitter. Criteria: ACMG Guidelines, 2015. Collection method: clinical testing. Allele origin: germline.

CeGaT Center for Human Genetics Tuebingen
Classification: Likely benign. Last evaluated: 2023-08-01. Review status: criteria provided, single submitter. Criteria: CeGaT Center For Human Genetics Tuebingen Variant Classification Criteria Version 2. Collection method: clinical testing. Allele origin: germline. Affected: yes. Observed: 1 variant allele.
Comment: PUM1: BP4, BS1

NM_001020658.2(PUM1):c.2722-8A>T

Gene: PUM1 (pumilio RNA binding family member 1; minus strand). Cytogenetic location: 1p35.2.
Variant type: single nucleotide variant.
Coding change: c.2722-8A>T on transcript NM_001020658.2 (MANE Select); 8 bases into the intron before coding-DNA position 2722, A replaced by T.
Molecular consequence: intron variant.
Genome position (GRCh38, 1-based): chr1:30,950,269, T>A on the plus strand (A>T on the coding strand, the complement: PUM1 is on the minus strand). VCF-style: chr1-30950269-T-A. GRCh37 (hg19) VCF-style: chr1-31423116-T-A.
Other names: c.2722-8A>T (NM_014676.3).
Identifiers: ClinVar variation 2638595 (VCV002638595.25), dbSNP rs139602906, ClinGen allele CA728901.